The following is an entry in ClinVar:

NM_012330.4(KAT6B):c.622-49C>A

Gene: KAT6B (lysine acetyltransferase 6B; plus strand). Cytogenetic location: 10q22.2.
Variant type: single nucleotide variant.
Coding change: c.622-49C>A on transcript NM_012330.4 (MANE Select); 49 bases into the intron before coding-DNA position 622, C replaced by A.
Molecular consequence: intron variant.
Genome position (GRCh38, 1-based): chr10:74,959,921, C>A. VCF-style: chr10-74959921-C-A. GRCh37 (hg19) VCF-style: chr10-76719679-C-A.
Other names: c.622-49C>A (NM_001370139.1, NM_001370136.1, NM_001370138.1 and 10 more transcripts); c.84-49C>A (NM_001370134.1, NM_001370135.1).
Identifiers: ClinVar variation 561577 (VCV000561577.2), dbSNP rs4746249, ClinGen allele CA5564263.

ClinVar aggregate classification (germline): Benign. Review status: criteria provided, multiple submitters, no conflicts (2 of 4 stars). 2 submissions from 2 submitters: Benign (2). Last evaluated 2018-06-14.

Allele frequency attached by ClinVar (database versions not stated): gnomAD exomes 0.26527; ExAC 0.27422; gnomAD 0.34184 and 0.34440; ESP Exome Variant Server 0.34932; TOPMed 0.36634; 1000 Genomes Project 0.47384; 1000 Genomes Project 30x 0.47751.
gnomAD v4.1: 285,374 of 1,265,282 alleles (23%); highest among the groups gnomAD compares: African/African-American, 73%; 46,605 homozygotes.

Submissions (2):

GeneDx
Classification: Benign. Last evaluated: 2018-06-14. Review status: criteria provided, single submitter. Criteria: GeneDx Variant Classification (06012015). Collection method: clinical testing. Allele origin: germline. Affected: yes.
Comment: This variant is considered likely benign or benign based on one or more of the following criteria: it is a conservative change, it occurs at a poorly conserved position in the protein, it is predicted to be benign by multiple in silico algorithms, and/or has population frequency not consistent with disease.

Breakthrough Genomics
Classification: Benign. Review status: criteria provided, single submitter. Criteria: ACMG Guidelines, 2015. Collection method: not provided. Allele origin: germline. Inheritance: Autosomal dominant inheritance. Affected: yes.